The following is an entry in ClinVar:

NM_001127511.3(APC):c.-161T>G

Gene: APC (APC regulator of Wnt signaling pathway; plus strand). Cytogenetic location: 5q22.2.
Variant type: single nucleotide variant.
Coding change: c.-161T>G on transcript NM_001127511.3; 161 bases upstream of the start codon, T replaced by G.
Molecular consequence: 5 prime UTR variant. On other transcripts: non-coding transcript variant (2).
Genome position (GRCh38, 1-based): chr5:112,707,557, T>G. VCF-style: chr5-112707557-T-G. GRCh37 (hg19) VCF-style: chr5-112043254-T-G.
Other names: c.-344T>G (NM_001354895.2, NM_001407447.1, NM_001407452.1 and 3 more transcripts); c.-161T>G (NM_001354897.2, NM_001354902.2, NM_001407446.1); c.-111T>G (NM_001407448.1, NM_001407450.1, NM_001407457.1 and 1 more transcripts); c.-135T>G (NM_001407453.1); c.-1379T>G (NM_001407470.1, NM_001407472.1).
Identifiers: ClinVar variation 2130806 (VCV002130806.4), dbSNP rs2149629365, ClinGen allele CA2580072280.

ClinVar aggregate classification (germline): Uncertain significance (1 of 4 stars; one submission).

Conditions:
Familial adenomatous polyposis 1 (FAP1). Also called: FAMILIAL ADENOMATOUS POLYPOSIS 1, ATTENUATED; POLYPOSIS, ADENOMATOUS INTESTINAL. Identifiers: MedGen C2713442, MONDO:0021056, OMIM 175100. Disease mechanism: loss of function.

Submission:

Labcorp Genetics (formerly Invitae), Labcorp
Classification: Uncertain significance for Familial adenomatous polyposis 1. Last evaluated: 2022-04-26. Review status: criteria provided, single submitter. Criteria: Invitae Variant Classification Sherloc (09022015). Collection method: clinical testing. Allele origin: germline.
Comment: This variant has not been reported in the literature in individuals affected with APC-related conditions. This variant occurs in a non-coding region of the APC gene. It does not change the encoded amino acid sequence of the APC protein. This variant is not present in population databases (gnomAD no frequency). Experimental studies and prediction algorithms are not available or were not evaluated, and the functional significance of this variant is currently unknown. In summary, the available evidence is currently insufficient to determine the role of this variant in disease. Therefore, it has been classified as a Variant of Uncertain Significance.